The following is an entry in ClinVar:

ClinVar aggregate classification (germline): Benign/Likely benign. Review status: criteria provided, multiple submitters, no conflicts (2 of 4 stars). 3 submissions from 3 submitters: Benign (1); Likely benign (2). Last evaluated 2025-12-20.

Conditions:
Inborn genetic diseases. Identifiers: MedGen C0950123, MeSH D030342.
Erythrocytosis, familial, 4 (ECYT4). Identifiers: Orphanet 247511, MedGen C2673187, MONDO:0012729, OMIM 611783.

Allele frequency attached by ClinVar (database versions not stated): ExAC 0.00010; gnomAD 0.00007 and 0.00006; ESP Exome Variant Server 0.00008; TOPMed 0.00005; 1000 Genomes Project 30x 0.00016; 1000 Genomes Project 0.00020.
gnomAD v4.1: 156 of 1,614,068 alleles (0.0097%); highest among the groups gnomAD compares: Middle Eastern, 0.017%; no homozygotes.

Submissions (3):

Labcorp Genetics (formerly Invitae), Labcorp
Classification: Likely benign. Last evaluated: 2025-12-20. Review status: criteria provided, single submitter. Criteria: Invitae Variant Classification Sherloc (09022015). Collection method: clinical testing. Allele origin: germline.

Ambry Genetics
Classification: Likely benign for Inborn genetic diseases. Last evaluated: 2023-05-05. Review status: criteria provided, single submitter. Criteria: Ambry Variant Classification Scheme 2023. Collection method: clinical testing. Allele origin: germline.

Illumina Laboratory Services, Illumina
Classification: Benign for Erythrocytosis, familial, 4. Last evaluated: 2018-01-13. Review status: criteria provided, single submitter. Criteria: ICSL Variant Classification Criteria 13 December 2019. Collection method: clinical testing. Allele origin: germline.
Comment: This variant was observed in the ICSL laboratory as part of a predisposition screen in an ostensibly healthy population. It had not been previously curated by ICSL or reported in the Human Gene Mutation Database (HGMD: prior to June 1st, 2018), and was therefore a candidate for classification through an automated scoring system. Utilizing variant allele frequency, disease prevalence and penetrance estimates, and inheritance mode, an automated score was calculated to assess if this variant is too frequent to cause the disease. Based on the score and internal cut-off values, a variant classified as benign is not then subjected to further curation. The score for this variant resulted in a classification of benign for this disease.

NM_001430.5(EPAS1):c.1658C>T (p.Ala553Val)

Gene: EPAS1 (endothelial PAS domain protein 1; plus strand). Cytogenetic location: 2p21.
Variant type: single nucleotide variant.
Coding change: c.1658C>T on transcript NM_001430.5 (MANE Select); coding-DNA position 1658, C replaced by T.
Protein change: p.Ala553Val; replaces alanine 553 with valine.
Molecular consequence: missense variant.
Genome position (GRCh38, 1-based): chr2:46,380,330, C>T. VCF-style: chr2-46380330-C-T. GRCh37 (hg19) VCF-style: chr2-46607469-C-T.
Other names: short protein forms A553V.
Identifiers: ClinVar variation 898892 (VCV000898892.7), dbSNP rs201311893, ClinGen allele CA1645076.